The following is an entry in ClinVar:

ClinVar aggregate classification (germline): Benign. Review status: criteria provided, single submitter (1 of 4 stars). 2 submissions from 2 submitters: Benign (1). 1 of the submissions does not count toward it. Last evaluated 2026-01-02.

Conditions:
KMT2D-related disorder. Also called: KMT2D-Related Disorders.
Kabuki syndrome. Also called: NIIKAWA-KUROKI SYNDROME; Kabuki make-up syndrome. Identifiers: Orphanet 2322, MedGen C0796004, MONDO:0016512.

Submissions (2):

Labcorp Genetics (formerly Invitae), Labcorp
Classification: Benign for Kabuki syndrome. Last evaluated: 2026-01-02. Review status: criteria provided, single submitter. Criteria: Invitae Variant Classification Sherloc (09022015). Collection method: clinical testing. Allele origin: germline.

PreventionGenetics, part of Exact Sciences
Classification: Likely benign for KMT2D-related condition. Last evaluated: 2023-01-31. Review status: no assertion criteria provided. Collection method: clinical testing. Allele origin: germline. Not counted in ClinVar's aggregate classification.
Comment: This variant is classified as likely benign based on ACMG/AMP sequence variant interpretation guidelines (Richards et al. 2015 PMID: 25741868, with internal and published modifications).

NM_003482.4(KMT2D):c.674-6del

Gene: KMT2D (lysine methyltransferase 2D; minus strand). Cytogenetic location: 12q13.12.
Variant type: Deletion.
Coding change: c.674-6del on transcript NM_003482.4 (MANE Select); 6 bases into the intron before coding-DNA position 674, one base deleted (C; older notation c.674-6delC).
Molecular consequence: intron variant.
Genome position (GRCh38, 1-based): chr12:49,053,647, G deleted on the plus strand (C on the coding strand, the reverse complement: KMT2D is on the minus strand); the first of 5 consecutive G bases (chr12:49,053,647-49,053,651); deleting any one gives the same sequence. VCF-style (leftmost placement, unchanged base first): chr12-49053646-AG-A. GRCh37 (hg19) VCF-style: chr12-49447429-AG-A.
Other names: c.674-6delC (NM_003482.3).
Identifiers: ClinVar variation 1581009 (VCV001581009.10), dbSNP rs976475854, ClinGen allele CA236622548.